The following is an entry in ClinVar:

ClinVar aggregate classification (germline): Benign/Likely benign. Review status: criteria provided, multiple submitters, no conflicts (2 of 4 stars). 4 submissions from 4 submitters: Benign (1); Likely benign (3). Last evaluated 2025-09-20.

Conditions:
Hereditary cancer-predisposing syndrome. Also called: Tumor predisposition; Hereditary neoplastic syndrome; Hereditary Cancer Syndrome; Neoplastic Syndromes, Hereditary. Identifiers: Orphanet 140162, MedGen C0027672, MeSH D009386, MONDO:0015356.
Hereditary nonpolyposis colon cancer (HNPCC). Also called: Hereditary nonpolyposis colorectal cancer; Familial nonpolyposis colon cancer; Hereditary Nonpolyposis Colorectal Cancer Syndrome. Identifiers: Orphanet 443909, MedGen C1333990, MONDO:0018630. Disease mechanism: loss of function.
Hereditary diffuse gastric adenocarcinoma (HDGC). Also called: DIFFUSE GASTRIC AND LOBULAR BREAST CANCER SYNDROME. Identifiers: Orphanet 26106, MedGen C1708349, MONDO:0007648, OMIM 137215.

Allele frequency attached by ClinVar (database versions not stated): gnomAD exomes below 0.00001.
gnomAD v4.1: 3 of 1,614,150 alleles (0.00019%); highest among the groups gnomAD compares: Non-Finnish European, 0.00025%; no homozygotes.

Submissions (4):

Labcorp Genetics (formerly Invitae), Labcorp
Classification: Likely benign. Last evaluated: 2025-09-20. Review status: criteria provided, single submitter. Criteria: Invitae Variant Classification Sherloc (09022015). Collection method: clinical testing. Allele origin: germline.

Myriad Genetics, Inc.
Classification: Benign for Hereditary diffuse gastric adenocarcinoma. Last evaluated: 2024-10-14. Review status: criteria provided, single submitter. Criteria: Myriad Autosomal Dominant, Autosomal Recessive and X-Linked Classification Criteria (2023). Collection method: clinical testing. Allele origin: unknown.
Comment: This variant is considered benign. This variant is a silent/synonymous amino acid change and it is not expected to impact splicing.

Department of Pathology and Laboratory Medicine, Sinai Health System
Classification: Likely benign for hereditary nonpolyposis colon cancer. Last evaluated: 2023-12-18. Review status: criteria provided, single submitter. Criteria: ACMG Guidelines, 2015. Collection method: clinical testing. Allele origin: germline. Affected: yes.

Ambry Genetics
Classification: Likely benign for Hereditary cancer-predisposing syndrome. Last evaluated: 2022-05-26. Review status: criteria provided, single submitter. Criteria: Ambry Variant Classification Scheme 2023. Collection method: clinical testing. Allele origin: germline.

NM_001903.5(CTNNA1):c.1848C>T (p.Arg616=)

Gene: CTNNA1 (catenin alpha 1; plus strand). Cytogenetic location: 5q31.2.
Variant type: single nucleotide variant.
Coding change: c.1848C>T on transcript NM_001903.5 (MANE Select); coding-DNA position 1848, C replaced by T.
Protein change: p.Arg616=; no amino-acid change (arginine 616 retained).
Molecular consequence: synonymous variant.
Genome position (GRCh38, 1-based): chr5:138,925,356, C>T. VCF-style: chr5-138925356-C-T. GRCh37 (hg19) VCF-style: chr5-138261045-C-T.
Other names: c.738C>T, p.Arg246= (NM_001323991.1, NM_001323992.1, NM_001323993.1 and 17 more transcripts); c.1479C>T, p.Arg493= (NM_001290310.3); c.1848C>T, p.Arg616= (NM_001323982.2, NM_001323983.1, NM_001323984.2 and 2 more transcripts); c.1539C>T, p.Arg513= (NM_001290309.3); c.1755C>T, p.Arg585= (NM_001323986.2); c.399C>T, p.Arg133= (NM_001324006.1, NM_001324007.1, NM_001324008.1 and 2 more transcripts); c.645C>T, p.Arg215= (NM_001324011.1); c.495C>T, p.Arg165= (NM_001324012.1, NM_001324013.1).
Identifiers: ClinVar variation 697810 (VCV000697810.15), dbSNP rs746086252, ClinGen allele CA446597400.